The following is an entry in ClinVar:

ClinVar aggregate classification (germline): Uncertain significance (1 of 4 stars; one submission).

Conditions:
Inborn genetic diseases. Identifiers: MedGen C0950123, MeSH D030342.

Submission:

Ambry Genetics
Classification: Uncertain significance for Inborn genetic diseases. Last evaluated: 2018-03-06. Review status: criteria provided, single submitter. Criteria: Ambry Variant Classification Scheme 2023. Collection method: clinical testing. Allele origin: germline.
Comment: The p.P357S variant (also known as c.1069C>T), located in coding exon 5 of the CHRNA2 gene, results from a C to T substitution at nucleotide position 1069. The proline at codon 357 is replaced by serine, an amino acid with similar properties. This amino acid position is not well conserved in available vertebrate species. In addition, the in silico prediction for this alteration is inconclusive. Since supporting evidence is limited at this time, the clinical significance of this alteration remains unclear.

NM_000742.4(CHRNA2):c.1069C>T (p.Pro357Ser)

Gene: CHRNA2 (cholinergic receptor nicotinic alpha 2 subunit; minus strand). Cytogenetic location: 8p21.2.
Variant type: single nucleotide variant.
Coding change: c.1069C>T on transcript NM_000742.4 (MANE Select); coding-DNA position 1069, C replaced by T.
Protein change: p.Pro357Ser; replaces proline 357 with serine.
Molecular consequence: missense variant.
Genome position (GRCh38, 1-based): chr8:27,463,374, G>A on the plus strand (C>T on the coding strand, the complement: CHRNA2 is on the minus strand). VCF-style: chr8-27463374-G-A. GRCh37 (hg19) VCF-style: chr8-27320891-G-A.
Other names: c.1024C>T, p.Pro342Ser (NM_001282455.2); c.592C>T, p.Pro198Ser (NM_001347705.2, NM_001347706.2); c.475C>T, p.Pro159Ser (NM_001347707.2, NM_001347708.2); short protein forms P198S, P342S, P357S, P159S.
Identifiers: ClinVar variation 1782717 (VCV001782717.2), dbSNP rs1812576064, ClinGen allele CA370809586.